The following is an entry in ClinVar:

ClinVar aggregate classification (germline): Conflicting classifications of pathogenicity. Review status: criteria provided, conflicting classifications (1 of 4 stars). 3 submissions from 3 submitters: Uncertain significance (1); Likely benign (2). Last evaluated 2025-05-11.

Conditions:
Mitochondrial DNA depletion syndrome 13. Also called: Mitochondrial DNA depletion syndrome 13 (encephalomyopathic type); FBXL4-Related Encephalomyopathic Mitochondrial DNA Depletion Syndrome. Identifiers: Orphanet 369897, MedGen C3809592, MONDO:0014198, OMIM 615471.

Allele frequency attached by ClinVar (database versions not stated): gnomAD exomes below 0.00001; TOPMed below 0.00001; ExAC 0.00001; ESP Exome Variant Server 0.00008.

Submissions (3):

Labcorp Genetics (formerly Invitae), Labcorp
Classification: Likely benign. Last evaluated: 2025-05-11. Review status: criteria provided, single submitter. Criteria: Invitae Variant Classification Sherloc (09022015). Collection method: clinical testing. Allele origin: germline.

Wong Mito Lab, Molecular and Human Genetics, Baylor College of Medicine
Classification: Uncertain significance for Mitochondrial DNA depletion syndrome 13. Last evaluated: 2017-08-10. Review status: criteria provided, single submitter. Criteria: ACMG Guidelines, 2015. Collection method: reference population. Allele origin: germline.
Comment: The NM_012160.4:c.1353A>G (NP_036292.2:p.Ser451=) [GRCH38: NC_000006.12:g.98880589T>C] variant in FBXL4 gene is interpretated to be a Uncertain Significance - Conflicting Evidence based on ACMG guidelines (PMID: 25741868). This variant meets one or more of the following evidence codes reported in the ACMG-guideline. PM2:This variant is absent in key population databases. BP4:Computational evidence/predictors indicate no impact on the FBXL4 structure, function, or protein-protein interaction. BP7:The variant is silent with non predicted splice impact. Based on this evidence code ClinGen Pathogenicity Calculator (PMID:28081714) suggested that the variant is Uncertain Significance - Conflicting Evidence.

GeneDx
Classification: Likely benign. Last evaluated: 2016-10-06. Review status: criteria provided, single submitter. Criteria: GeneDx Variant Classification (06012015). Collection method: clinical testing. Allele origin: germline. Affected: yes.
Comment: This variant is considered likely benign or benign based on one or more of the following criteria: it is a conservative change, it occurs at a poorly conserved position in the protein, it is predicted to be benign by multiple in silico algorithms, and/or has population frequency not consistent with disease.

NM_001278716.2(FBXL4):c.1353A>G (p.Ser451=)

Gene: FBXL4 (F-box and leucine rich repeat protein 4; minus strand). Cytogenetic location: 6q16.1.
Variant type: single nucleotide variant.
Coding change: c.1353A>G on transcript NM_001278716.2 (MANE Select); coding-DNA position 1353, A replaced by G.
Protein change: p.Ser451=; no amino-acid change (serine 451 retained).
Molecular consequence: synonymous variant. On other transcripts: non-coding transcript variant (1).
Genome position (GRCh38, 1-based): chr6:98,880,589, T>C on the plus strand (A>G on the coding strand, the complement: FBXL4 is on the minus strand). VCF-style: chr6-98880589-T-C. GRCh37 (hg19) VCF-style: chr6-99328465-T-C.
Other names: c.1353A>G, p.Ser451= (NM_012160.5).
Identifiers: ClinVar variation 389412 (VCV000389412.2), dbSNP rs141165629, ClinGen allele CA3933468.
Genomic context (GRCh38, chr6:98,880,589, plus strand): 5'-TATAAAGAATTCTCAAACACTTACCATGACACAACTGCCTAAACTGAGGTGCTGAAGCTC[T>C]GAACAGAAGTTCAAAATGCTGAGCAGTGCTGTTTGCTGCCATTAGGGACCACATCAGAGG-3'
Protein context (NP_001265645.1, residues 441-461): TALLSILNFC[Ser451=]ELQHLSLGSC